The following is an entry in ClinVar:

NM_000516.7(GNAS):c.531-13_531-10del

Gene: GNAS (GNAS complex locus; plus strand). Cytogenetic location: 20q13.32.
Variant type: Microsatellite.
Coding change: c.531-13_531-10del on transcript NM_000516.7 (MANE Select); 13 bases into the intron before coding-DNA position 531 through 10 bases into the intron before coding-DNA position 531, 4 bases deleted (CTTT; older notation c.531-13_531-10delCTTT).
Molecular consequence: intron variant.
Genome position (GRCh38, 1-based): chr20:58,909,149-58,909,152, CTTT deleted; deleting any 4 consecutive bases within chr20:58,909,144-58,909,152 gives the same sequence; the c. name uses the placement nearest the transcript's 3' end. VCF-style (leftmost placement, unchanged base first): chr20-58909143-GTCTT-G. GRCh37 (hg19) VCF-style: chr20-57484198-GTCTT-G.
Other names: NC_000020.10:g.57484204_57484207del; c.*437-13_*437-10del (NM_016592.5); c.354-13_354-10del (NM_001309861.2, NM_001309840.2); c.*392-13_*392-10del (NM_001077490.3); c.2460-13_2460-10del (NM_080425.4); c.534-13_534-10del (NM_001077488.5); c.489-13_489-10del (NM_080426.4); c.486-13_486-10del (NM_001077489.4); and 1 more.
Identifiers: ClinVar variation 499467 (VCV000499467.31), dbSNP rs576071932, ClinGen allele CA9927138.
Genomic context (GRCh38, chr20:58,909,143, plus strand): 5'-ACCTTGTAGAGAGACACAAATAGTTGGCAAATTGATGTGAGCGCTGTGAACACCCCACGT[GTCTT>G]TCTTTTTCTCCCAGCTTCCTGGACAAGATCGACGTGATCAAGCAGGCTGACTATGTGCCG-3'

ClinVar aggregate classification (germline): Conflicting classifications of pathogenicity. Review status: criteria provided, conflicting classifications (1 of 4 stars). 7 submissions from 7 submitters: Uncertain significance (1); Benign (1); Likely benign (3). 2 of the submissions do not count toward it. Last evaluated 2026-01-28.

Conditions:
GNAS-related disorder. Identifiers: MedGen CN380105.

Submissions (9):

Labcorp Genetics (formerly Invitae), Labcorp
Classification: Benign. Last evaluated: 2026-01-28. Review status: criteria provided, single submitter. Criteria: Invitae Variant Classification Sherloc (09022015). Collection method: clinical testing. Allele origin: germline.

Blueprint Genetics
Classification: Likely benign. Last evaluated: 2024-10-17. Review status: criteria provided, single submitter. Criteria: ACMG Guidelines, 2015. Collection method: clinical testing. Allele origin: germline.

PreventionGenetics, part of Exact Sciences
Classification: Likely benign for GNAS-related condition. Last evaluated: 2024-10-10. Review status: criteria provided, single submitter. Criteria: ACMG Guidelines, 2015. Collection method: clinical testing. Allele origin: germline.
Comment: This variant is classified as likely benign based on ACMG/AMP sequence variant interpretation guidelines (Richards et al. 2015 PMID: 25741868, with internal and published modifications).

CeGaT Center for Human Genetics Tuebingen
Classification: Likely benign. Last evaluated: 2020-07-01. Review status: criteria provided, single submitter. Criteria: CeGaT Center For Human Genetics Tuebingen Variant Classification Criteria Version 2. Collection method: clinical testing. Allele origin: germline. Affected: yes. Observed: 1 variant allele.

Eurofins Ntd Llc (ga)
Classification: Uncertain significance. Last evaluated: 2017-01-25. Review status: criteria provided, single submitter. Criteria: EGL Classification Definitions 2015. Collection method: clinical testing. Allele origin: germline. Observed: 1 variant allele, 1 heterozygote.

Clinical Genetics, Academic Medical Center
Classification: Likely benign. Review status: no assertion criteria provided. Collection method: clinical testing. Allele origin: germline. Affected: yes. Study: VKGL Data-share Consensus. Not counted in ClinVar's aggregate classification.

Dr. Peter K. Rogan Lab, Western University
No classification provided (evidence only). Condition: Familial cancer of breast. Review status: no classification provided. Collection method: in vitro. Allele origin: not applicable. Functional consequence: retained intron. Not counted in ClinVar's aggregate classification.

Dr. Peter K. Rogan Lab, Western University
No classification provided (evidence only). Condition: Malignant tumor of esophagus. Review status: no classification provided. Collection method: in vitro. Allele origin: not applicable. Functional consequence: retained intron. Not counted in ClinVar's aggregate classification.

Genome Diagnostics Laboratory, University Medical Center Utrecht
Classification: Likely benign. Review status: no assertion criteria provided. Collection method: clinical testing. Allele origin: germline. Affected: yes. Study: VKGL Data-share Consensus. Not counted in ClinVar's aggregate classification.